The following is an entry in ClinVar:

ClinVar aggregate classification (germline): Uncertain significance (1 of 4 stars; one submission).

Submission:

GeneDx
Classification: Uncertain significance. Last evaluated: 2025-07-25. Review status: criteria provided, single submitter. Criteria: GeneDx Variant Classification Process June 2021. Collection method: clinical testing. Allele origin: germline. Affected: yes.
Comment: Not observed at significant frequency in large population cohorts (gnomAD); In silico analysis supports that this missense variant has a deleterious effect on protein structure/function; Has not been previously published as pathogenic or benign to our knowledge

NM_007118.4(TRIO):c.981G>C (p.Gln327His)

Gene: TRIO (trio Rho guanine nucleotide exchange factor; plus strand). Cytogenetic location: 5p15.2.
Variant type: single nucleotide variant.
Coding change: c.981G>C on transcript NM_007118.4 (MANE Select); coding-DNA position 981, G replaced by C.
Protein change: p.Gln327His; replaces glutamine 327 with histidine.
Molecular consequence: missense variant. On other transcripts: non-coding transcript variant (1).
Genome position (GRCh38, 1-based): chr5:14,291,156, G>C. VCF-style: chr5-14291156-G-C. GRCh37 (hg19) VCF-style: chr5-14291265-G-C.
Other names: short protein forms Q327H.
Identifiers: ClinVar variation 4687101 (VCV004687101.1).